The following is an entry in ClinVar:

NM_003001.5(SDHC):c.21-5T>G

Gene: SDHC (succinate dehydrogenase complex subunit C; plus strand). Cytogenetic location: 1q23.3.
Variant type: single nucleotide variant.
Coding change: c.21-5T>G on transcript NM_003001.5 (MANE Select); 5 bases into the intron before coding-DNA position 21, T replaced by G.
Molecular consequence: intron variant.
Genome position (GRCh38, 1-based): chr1:161,323,609, T>G. VCF-style: chr1-161323609-T-G. GRCh37 (hg19) VCF-style: chr1-161293399-T-G.
Other names: c.-91-5T>G (NM_001407119.1); c.-209-5T>G (NM_001407120.1); c.21-5T>G (NM_001407115.1, NM_001035511.3, NM_001035512.3 and 3 more transcripts); c.21-4787T>G (NM_001407116.1, NM_001407121.1, NM_001407117.1); c.20+9184T>G (NM_001035513.3).
Identifiers: ClinVar variation 2951254 (VCV002951254.4), dbSNP rs2526332254, ClinGen allele CA2740090271.
Genomic context (GRCh38, chr1:161,323,609, plus strand): 5'-GAGAAGTTGATATACTAAAGTTGATCTCTAAATGTGTATTGATTTTTGATTCTCTTATCT[T>G]GCAGACACGTTGGTCGTCATTGCCTCCGAGCCCACTTTAGCCCTCAGCTCTGTATCAGAA-3'

ClinVar aggregate classification (germline): Uncertain significance. Review status: criteria provided, multiple submitters, no conflicts (2 of 4 stars). 2 submissions from 2 submitters: Uncertain significance (2). Last evaluated 2025-08-19.

Conditions:
Gastrointestinal stromal tumor. Also called: Gastrointestinal stromal tumor, somatic; Gastrointestinal stroma tumor. Identifiers: Orphanet 44890, MedGen C0238198, MeSH D046152, MONDO:0011719, OMIM 606764, HP:0100723.
Pheochromocytoma/paraganglioma syndrome 3. Also called: GLOMUS TUMORS, FAMILIAL, 3; Paragangliomas 3; SDHC-Related Hereditary Paraganglioma-Pheochromocytoma Syndrome (Paragangliomas 3); SDHC-Related Hereditary Paraganglioma-Pheochromocytoma Syndrome. Identifiers: Orphanet 29072, MedGen C1854336, MONDO:0011544, OMIM 605373.
Hereditary cancer-predisposing syndrome. Also called: Neoplastic Syndromes, Hereditary; Hereditary neoplastic syndrome; Tumor predisposition; Hereditary Cancer Syndrome. Identifiers: Orphanet 140162, MedGen C0027672, MeSH D009386, MONDO:0015356.

Submissions (2):

Ambry Genetics
Classification: Uncertain significance for Hereditary cancer-predisposing syndrome. Last evaluated: 2025-08-19. Review status: criteria provided, single submitter. Criteria: Ambry Variant Classification Scheme 2023. Collection method: clinical testing. Allele origin: germline.
Comment: The c.21-5T>G intronic variant results from a T to G substitution 5 nucleotides upstream from coding exon 2 in the SDHC gene. This nucleotide position is highly conserved in available vertebrate species. In silico splice site analysis predicts that this alteration will weaken the native splice acceptor site. Based on the available evidence, the clinical significance of this variant remains unclear.

Labcorp Genetics (formerly Invitae), Labcorp
Classification: Uncertain significance for Pheochromocytoma/paraganglioma syndrome 3; Gastrointestinal stromal tumor. Last evaluated: 2023-08-24. Review status: criteria provided, single submitter. Criteria: Invitae Variant Classification Sherloc (09022015). Collection method: clinical testing. Allele origin: germline.
Comment: In summary, the available evidence is currently insufficient to determine the role of this variant in disease. Therefore, it has been classified as a Variant of Uncertain Significance. Algorithms developed to predict the effect of sequence changes on RNA splicing suggest that this variant may disrupt the consensus splice site. This variant has not been reported in the literature in individuals affected with SDHC-related conditions. This variant is not present in population databases (gnomAD no frequency). This sequence change falls in intron 1 of the SDHC gene. It does not directly change the encoded amino acid sequence of the SDHC protein.